The following is an entry in ClinVar:

NM_007254.4(PNKP):c.920C>T (p.Ser307Phe)

Gene: PNKP (polynucleotide kinase 3'-phosphatase; minus strand). Cytogenetic location: 19q13.33.
Variant type: single nucleotide variant.
Coding change: c.920C>T on transcript NM_007254.4 (MANE Select); coding-DNA position 920, C replaced by T.
Protein change: p.Ser307Phe; replaces serine 307 with phenylalanine.
Molecular consequence: missense variant.
Genome position (GRCh38, 1-based): chr19:49,862,554, G>A on the plus strand (C>T on the coding strand, the complement: PNKP is on the minus strand). VCF-style: chr19-49862554-G-A. GRCh37 (hg19) VCF-style: chr19-50365811-G-A.
Other names: short protein forms S307F.
Identifiers: ClinVar variation 502652 (VCV000502652.8), dbSNP rs1555811168, ClinGen allele CA406881876.

ClinVar aggregate classification (germline): Uncertain significance. Review status: criteria provided, multiple submitters, no conflicts (2 of 4 stars). 3 submissions from 3 submitters: Uncertain significance (3). Last evaluated 2022-04-18.

Conditions:
Developmental and epileptic encephalopathy, 12 (DEE12). Identifiers: MedGen C3150988, MONDO:0013389, OMIM 613722.

Allele frequency attached by ClinVar (database versions not stated): gnomAD exomes below 0.00001; TOPMed below 0.00001.
gnomAD v4.1: 1 of 1,611,912 alleles (0.000062%); highest among the groups gnomAD compares: East Asian, 0.0022%; no homozygotes.

Submissions (3):

Labcorp Genetics (formerly Invitae), Labcorp
Classification: Uncertain significance for Developmental and epileptic encephalopathy, 12. Last evaluated: 2022-04-18. Review status: criteria provided, single submitter. Criteria: Invitae Variant Classification Sherloc (09022015). Collection method: clinical testing. Allele origin: germline.
Comment: This sequence change replaces serine, which is neutral and polar, with phenylalanine, which is neutral and non-polar, at codon 307 of the PNKP protein (p.Ser307Phe). This variant is not present in population databases (gnomAD no frequency). This variant has not been reported in the literature in individuals affected with PNKP-related conditions. ClinVar contains an entry for this variant (Variation ID: 502652). Algorithms developed to predict the effect of missense changes on protein structure and function (SIFT, PolyPhen-2, Align-GVGD) all suggest that this variant is likely to be disruptive. In summary, the available evidence is currently insufficient to determine the role of this variant in disease. Therefore, it has been classified as a Variant of Uncertain Significance.

GeneDx
Classification: Uncertain significance. Last evaluated: 2019-04-22. Review status: criteria provided, single submitter. Criteria: GeneDx Variant Classification Process June 2021. Collection method: clinical testing. Allele origin: germline. Affected: yes.
Comment: Not observed in large population cohorts (Lek et al., 2016); In silico analysis, which includes protein predictors and evolutionary conservation, supports a deleterious effect; Has not been previously published as pathogenic or benign to our knowledge

Eurofins Ntd Llc (ga)
Classification: Uncertain significance. Last evaluated: 2017-06-16. Review status: criteria provided, single submitter. Criteria: EGL Classification Definitions 2015. Collection method: clinical testing. Allele origin: germline. Observed: 1 variant allele, 1 heterozygote.